The following is an entry in ClinVar:

ClinVar aggregate classification (germline): Uncertain significance. Review status: criteria provided, multiple submitters, no conflicts (2 of 4 stars). 2 submissions from 2 submitters: Uncertain significance (2). Last evaluated 2026-09-10.

Conditions:
Inborn genetic diseases. Identifiers: MedGen C0950123, MeSH D030342.

Allele frequency attached by ClinVar (database versions not stated): TOPMed 0.00001; gnomAD exomes below 0.00001.
gnomAD v4.1: 2 of 1,614,172 alleles (0.00012%); highest among the groups gnomAD compares: Non-Finnish European, 0.00017%; no homozygotes.

Submissions (2):

Ambry Genetics
Classification: Uncertain significance for Inborn genetic diseases. Last evaluated: 2026-09-10. Review status: criteria provided, single submitter. Criteria: Ambry Variant Classification Scheme 2023. Collection method: clinical testing. Allele origin: germline.

GeneDx
Classification: Uncertain significance. Last evaluated: 2023-06-12. Review status: criteria provided, single submitter. Criteria: GeneDx Variant Classification Process June 2021. Collection method: clinical testing. Allele origin: germline. Affected: yes.
Comment: In silico analysis supports that this missense variant has a deleterious effect on protein structure/function; Has not been previously published as pathogenic or benign to our knowledge; Not observed at significant frequency in large population cohorts (gnomAD)

NM_004958.4(MTOR):c.5693A>G (p.Asn1898Ser)

Gene: MTOR (mechanistic target of rapamycin kinase; minus strand). Cytogenetic location: 1p36.22.
Variant type: single nucleotide variant.
Coding change: c.5693A>G on transcript NM_004958.4 (MANE Select); coding-DNA position 5693, A replaced by G.
Protein change: p.Asn1898Ser; replaces asparagine 1898 with serine.
Molecular consequence: missense variant.
Genome position (GRCh38, 1-based): chr1:11,129,759, T>C on the plus strand (A>G on the coding strand, the complement: MTOR is on the minus strand). VCF-style: chr1-11129759-T-C. GRCh37 (hg19) VCF-style: chr1-11189816-T-C.
Other names: c.5693A>G, p.Asn1898Ser (NM_001386500.1); c.4445A>G, p.Asn1482Ser (NM_001386501.1); short protein forms N1482S, N1898S.
Identifiers: ClinVar variation 2574359 (VCV002574359.2), dbSNP rs1164349904, ClinGen allele CA338397517.